The following is an entry in ClinVar:

ClinVar aggregate classification (germline): Uncertain significance. Review status: criteria provided, multiple submitters, no conflicts (2 of 4 stars). 2 submissions from 2 submitters: Uncertain significance (2). Last evaluated 2022-08-22.

Allele frequency attached by ClinVar (database versions not stated): gnomAD 0.00001; TOPMed 0.00003.
gnomAD v4.1: 44 of 1,611,860 alleles (0.0027%); highest among the groups gnomAD compares: South Asian, 0.0077%; no homozygotes.

Submissions (2):

Labcorp Genetics (formerly Invitae), Labcorp
Classification: Uncertain significance. Last evaluated: 2022-08-22. Review status: criteria provided, single submitter. Criteria: Invitae Variant Classification Sherloc (09022015). Collection method: clinical testing. Allele origin: germline.
Comment: This sequence change replaces arginine, which is basic and polar, with histidine, which is basic and polar, at codon 426 of the CDH23 protein (p.Arg426His). This variant is present in population databases (rs757456114, gnomAD 0.01%). This variant has not been reported in the literature in individuals affected with CDH23-related conditions. ClinVar contains an entry for this variant (Variation ID: 1396497). Algorithms developed to predict the effect of missense changes on protein structure and function are either unavailable or do not agree on the potential impact of this missense change (SIFT: "Deleterious"; PolyPhen-2: "Not Available"; Align-GVGD: "Class C25"). In summary, the available evidence is currently insufficient to determine the role of this variant in disease. Therefore, it has been classified as a Variant of Uncertain Significance.

GeneDx
Classification: Uncertain significance. Last evaluated: 2022-05-04. Review status: criteria provided, single submitter. Criteria: GeneDx Variant Classification Process June 2021. Collection method: clinical testing. Allele origin: germline. Affected: yes.
Comment: In silico analysis supports that this missense variant does not alter protein structure/function; Has not been previously published as pathogenic or benign to our knowledge

NM_022124.6(CDH23):c.1277G>A (p.Arg426His)

Gene: CDH23 (cadherin related 23; plus strand). Cytogenetic location: 10q22.1.
Variant type: single nucleotide variant.
Coding change: c.1277G>A on transcript NM_022124.6 (MANE Select); coding-DNA position 1277, G replaced by A.
Protein change: p.Arg426His; replaces arginine 426 with histidine.
Molecular consequence: missense variant.
Genome position (GRCh38, 1-based): chr10:71,645,967, G>A. VCF-style: chr10-71645967-G-A. GRCh37 (hg19) VCF-style: chr10-73405724-G-A.
Other names: c.1277G>A, p.Arg426His (NM_001171930.2, NM_001171931.2, NM_052836.4); short protein forms R426H.
Identifiers: ClinVar variation 1396497 (VCV001396497.4), dbSNP rs757456114, ClinGen allele CA5543749.
Genomic context (GRCh38, chr10:71,645,967, plus strand): 5'-AGGGGAAGGCGGACATTCGTATTCGGGTGGCCATCCCACTGGACTACGAGACCGTGGACC[G>A]CTACGACTTTGATGTAAGGCCCCACTCACTGGCATTTTGGAGTGGGGTGGGGGGTGGATT-3'
Protein context (NP_071407.4, residues 416-436): AIPLDYETVD[Arg426His]YDFDLFANES